The following is an entry in ClinVar:

NM_152618.3(BBS12):c.1223A>G (p.Lys408Arg)

Gene: BBS12 (Bardet-Biedl syndrome 12; plus strand). Cytogenetic location: 4q27.
Variant type: single nucleotide variant.
Coding change: c.1223A>G on transcript NM_152618.3 (MANE Select); coding-DNA position 1223, A replaced by G.
Protein change: p.Lys408Arg; replaces lysine 408 with arginine.
Molecular consequence: missense variant.
Genome position (GRCh38, 1-based): chr4:122,743,115, A>G. VCF-style: chr4-122743115-A-G. GRCh37 (hg19) VCF-style: chr4-123664270-A-G.
Other names: c.1223A>G, p.Lys408Arg (NM_001178007.2); short protein forms K408R.
Identifiers: ClinVar variation 636151 (VCV000636151.3), dbSNP rs1578491064, ClinGen allele CA358224666.

ClinVar aggregate classification (germline): Uncertain significance. Review status: criteria provided, single submitter (1 of 4 stars). 2 submissions from 2 submitters: Uncertain significance (1). 1 of the submissions does not count toward it. Last evaluated 2025-07-18.

Conditions:
Retinitis pigmentosa (RP). Identifiers: Orphanet 791, MedGen C0035334, MeSH D012174, MONDO:0019200, OMIM 268000. Inheritance: Autosomal dominant, autosomal recessive and X linked inheritance.
Bardet-Biedl syndrome 12 (BBS12). Identifiers: Orphanet 110, MedGen C1859570, MONDO:0014440, OMIM 615989.

Allele frequency attached by ClinVar (database versions not stated): gnomAD exomes below 0.00001.
gnomAD v4.1: 1 of 1,614,262 alleles (0.000062%); highest among the groups gnomAD compares: Non-Finnish European, 0.000085%; no homozygotes.

Submissions (2):

Myriad Genetics, Inc.
Classification: Uncertain significance for Bardet-Biedl syndrome 12. Last evaluated: 2025-07-18. Review status: criteria provided, single submitter. Criteria: Myriad Autosomal Dominant, Autosomal Recessive and X-Linked Classification Criteria (2023). Collection method: clinical testing. Allele origin: unknown.
Comment: NM_152618.2(BBS12):c.1223A>G(K408R) is a missense variant classified as a variant of uncertain significance in the context of Bardet-Biedl syndrome, BBS12-related. K408R has been observed in cases with relevant disease (PMID: 20120035, 30718709). Relevant functional assessments of this variant are not available in the literature. K408R has not been observed in referenced population frequency databases. In summary, there is insufficient evidence to classify NM_152618.2(BBS12):c.1223A>G(K408R) as pathogenic or benign. Please note: this variant was assessed in the context of healthy population screening.

Department of Clinical Genetics, Copenhagen University Hospital, Rigshospitalet
Classification: Likely pathogenic for Retinitis pigmentosa. Last evaluated: 2018-04-01. Review status: no assertion criteria provided. Collection method: research. Allele origin: unknown. Affected: yes. Study: VeluxRD. Not counted in ClinVar's aggregate classification.

Literature cited by the submitters: PubMed 20120035 (cited by Myriad Genetics, Inc.); PubMed 30718709 (cited by Myriad Genetics, Inc. and Department of Clinical Genetics, Copenhagen University Hospital, Rigshospitalet).